The following is an entry in ClinVar:

NM_014252.4(SLC25A15):c.*420T>G

Gene: SLC25A15 (solute carrier family 25 member 15; plus strand). Cytogenetic location: 13q14.11.
Variant type: single nucleotide variant.
Coding change: c.*420T>G on transcript NM_014252.4 (MANE Select); 420 bases downstream of the stop codon, T replaced by G.
Molecular consequence: 3 prime UTR variant.
Genome position (GRCh38, 1-based): chr13:40,810,087, T>G. VCF-style: chr13-40810087-T-G. GRCh37 (hg19) VCF-style: chr13-41384223-T-G.
Identifiers: ClinVar variation 312188 (VCV000312188.5), dbSNP rs75842883, ClinGen allele CA10634389.

ClinVar aggregate classification (germline): Benign (1 of 4 stars; one submission).

Conditions:
Hyperornithinemia-hyperammonemia-homocitrullinuria syndrome (HHHS). Also called: HHH SYNDROME; Ornithine translocase deficiency. Identifiers: Orphanet 415, MedGen C0268540, MONDO:0009393, OMIM 238970.

Allele frequency attached by ClinVar (database versions not stated): gnomAD 0.00141 and 0.00248; TOPMed 0.00358; gnomAD exomes 0.00427; 1000 Genomes Project 30x 0.01046; 1000 Genomes Project 0.01198.

Submission:

Illumina Laboratory Services, Illumina
Classification: Benign for Hyperornithinemia-hyperammonemia-homocitrullinuria syndrome. Last evaluated: 2018-01-12. Review status: criteria provided, single submitter. Criteria: ICSL Variant Classification Criteria 13 December 2019. Collection method: clinical testing. Allele origin: germline.
Comment: This variant was observed in the ICSL laboratory as part of a predisposition screen in an ostensibly healthy population. It had not been previously curated by ICSL or reported in the Human Gene Mutation Database (HGMD: prior to June 1st, 2018), and was therefore a candidate for classification through an automated scoring system. Utilizing variant allele frequency, disease prevalence and penetrance estimates, and inheritance mode, an automated score was calculated to assess if this variant is too frequent to cause the disease. Based on the score and internal cut-off values, a variant classified as benign is not then subjected to further curation. The score for this variant resulted in a classification of benign for this disease.